The following is an entry in ClinVar:

ClinVar aggregate classification (germline): Likely benign (1 of 4 stars; one submission).

Conditions:
Breast-ovarian cancer, familial, susceptibility to, 1 (BROVCA1). Also called: BRCA1 Hereditary Breast and Ovarian Cancer; OVARIAN CANCER, SUSCEPTIBILITY TO. Identifiers: Orphanet 145, MedGen C2676676, MONDO:0011450, OMIM 604370. Disease mechanism: loss of function.

gnomAD v4.1: 1 of 1,614,238 alleles (0.000062%); highest among the groups gnomAD compares: South Asian, 0.0011%; no homozygotes.

Submissions (2):

Cancer Bioinformatics and Tumour Evolution Laboratory, Monash University
Classification: Likely benign for Breast-ovarian cancer, familial, susceptibility to, 1. Last evaluated: 2026-05-01. Review status: criteria provided, single submitter. Criteria: ClinGen BRCA1 and BRCA2 Guidelines, 2024. Collection method: curation. Allele origin: germline. Inheritance: Autosomal dominant inheritance.
Comment: PMID: 30209399 - Saturation Genome editing on haploid HAP1 cells to assess HDR capacity resulted in an Intermediate score. All the possible SNVs in this codon were analysed in the study and all except this variant and c.4892G>C; p.Ser1631Thr were functional. The S1631T was also Intermediate. This variant is a missense variant outside of a functional domain with no splice impact. BRCA1 and BRCA2 VCEP guidelines recommend application of BP1_Strong (PMID: 39142283)

Brotman Baty Institute, University of Washington
No classification provided (evidence only). Condition: Breast-ovarian cancer, familial 1. Review status: no classification provided. Collection method: in vitro. Allele origin: not applicable. Functional consequence: function_uncertain_variant. Not counted in ClinVar's aggregate classification.
ClinVar note: "not provided" was previously submitted as the classification for the variant. However, the classification appeared to be based only on an observation of functional data so it was converted to no classification on 2025-07-30.

Literature cited by the submitters: PubMed 30209399 (cited by Cancer Bioinformatics and Tumour Evolution Laboratory, Monash University).

NM_007294.4(BRCA1):c.4892G>T (p.Ser1631Ile)

Gene: BRCA1 (BRCA1 DNA repair associated; minus strand). Cytogenetic location: 17q21.31.
Variant type: single nucleotide variant.
Coding change: c.4892G>T on transcript NM_007294.4 (MANE Select); coding-DNA position 4892, G replaced by T.
Protein change: p.Ser1631Ile; replaces serine 1631 with isoleucine.
Molecular consequence: missense variant. On other transcripts: non-coding transcript variant (1).
Genome position (GRCh38, 1-based): chr17:43,071,022, C>A on the plus strand (G>T on the coding strand, the complement: BRCA1 is on the minus strand). VCF-style: chr17-43071022-C-A. GRCh37 (hg19) VCF-style: chr17-41223039-C-A.
Other names: c.4679G>T, p.Ser1560Ile (NM_001407571.1, NM_001407894.1, NM_001407895.1 and 12 more transcripts); c.4958G>T, p.Ser1653Ile (NM_001407581.1, NM_001407582.1); c.4955G>T, p.Ser1652Ile (NM_001407583.1, NM_001407585.1, NM_001407587.1 and 1 more transcripts); c.4952G>T, p.Ser1651Ile (NM_001407590.1, NM_001407591.1); c.4892G>T, p.Ser1631Ile (NM_001407593.1, NM_001407594.1, NM_001407596.1 and 8 more transcripts); c.4889G>T, p.Ser1630Ile (NM_001407619.1, NM_001407620.1, NM_001407621.1 and 17 more transcripts); c.4886G>T, p.Ser1629Ile (NM_001407627.1, NM_001407638.1, NM_001407639.1 and 14 more transcripts); c.4883G>T, p.Ser1628Ile (NM_001407644.1, NM_001407645.1); and 70 more; short protein forms S1584I, S1652I, S527I, S1631I, S1503I, S1542I, S1589I, S1612I.
Identifiers: ClinVar variation 868836 (VCV000868836.4), dbSNP rs273901742, ClinGen allele CA10591740.